The following is an entry in ClinVar:

NM_030662.4(MAP2K2):c.142G>C (p.Glu48Gln)

Gene: MAP2K2 (mitogen-activated protein kinase kinase 2; minus strand). Cytogenetic location: 19p13.3.
Variant type: single nucleotide variant.
Coding change: c.142G>C on transcript NM_030662.4 (MANE Select); coding-DNA position 142, G replaced by C.
Protein change: p.Glu48Gln; replaces glutamic acid 48 with glutamine.
Molecular consequence: missense variant.
Genome position (GRCh38, 1-based): chr19:4,117,580, C>G on the plus strand (G>C on the coding strand, the complement: MAP2K2 is on the minus strand). VCF-style: chr19-4117580-C-G. GRCh37 (hg19) VCF-style: chr19-4117578-C-G.
Other names: short protein forms E48Q.
Identifiers: ClinVar variation 3636806 (VCV003636806.2).

ClinVar aggregate classification (germline): Uncertain significance (1 of 4 stars; one submission).

Conditions:
RASopathy. Also called: Noonan spectrum disorder; rasopathies. Identifiers: Orphanet 536391, MedGen C5555857, MONDO:0021060.

Submission:

Labcorp Genetics (formerly Invitae), Labcorp
Classification: Uncertain significance for RASopathy. Last evaluated: 2024-10-05. Review status: criteria provided, single submitter. Criteria: Invitae Variant Classification Sherloc (09022015). Collection method: clinical testing. Allele origin: germline.
Comment: This sequence change replaces glutamic acid, which is acidic and polar, with glutamine, which is neutral and polar, at codon 48 of the MAP2K2 protein (p.Glu48Gln). This variant is not present in population databases (gnomAD no frequency). This variant has not been reported in the literature in individuals affected with MAP2K2-related conditions. Invitae Evidence Modeling of protein sequence and biophysical properties (such as structural, functional, and spatial information, amino acid conservation, physicochemical variation, residue mobility, and thermodynamic stability) has been performed for this missense variant. However, the output from this modeling did not meet the statistical confidence thresholds required to predict the impact of this variant on MAP2K2 protein function. In summary, the available evidence is currently insufficient to determine the role of this variant in disease. Therefore, it has been classified as a Variant of Uncertain Significance.